The following is an entry in ClinVar:

ClinVar aggregate classification (germline): Uncertain significance (1 of 4 stars; one submission).

Conditions:
Charcot-Marie-Tooth disease type 4. Also called: Charcot-Marie-Tooth disease, type IV; Charcot-Marie-Tooth, Type 4. Identifiers: Orphanet 64749, MedGen C4082197, MONDO:0018995.

Submission:

Labcorp Genetics (formerly Invitae), Labcorp
Classification: Uncertain significance for Charcot-Marie-Tooth disease type 4. Last evaluated: 2021-11-04. Review status: criteria provided, single submitter. Criteria: Invitae Variant Classification Sherloc (09022015). Collection method: clinical testing. Allele origin: germline.
Comment: In summary, the available evidence is currently insufficient to determine the role of this variant in disease. Therefore, it has been classified as a Variant of Uncertain Significance. Algorithms developed to predict the effect of missense changes on protein structure and function are either unavailable or do not agree on the potential impact of this missense change (SIFT: "Deleterious"; PolyPhen-2: "Benign"; Align-GVGD: "Class C15"). This variant has not been reported in the literature in individuals affected with FIG4-related conditions. This variant is not present in population databases (gnomAD no frequency). This sequence change replaces serine, which is neutral and polar, with arginine, which is basic and polar, at codon 684 of the FIG4 protein (p.Ser684Arg).

NM_014845.6(FIG4):c.2052C>A (p.Ser684Arg)

Gene: FIG4 (FIG4 phosphoinositide 5-phosphatase; plus strand). Cytogenetic location: 6q21.
Variant type: single nucleotide variant.
Coding change: c.2052C>A on transcript NM_014845.6 (MANE Select); coding-DNA position 2052, C replaced by A.
Protein change: p.Ser684Arg; replaces serine 684 with arginine.
Molecular consequence: missense variant.
Genome position (GRCh38, 1-based): chr6:109,786,405, C>A. VCF-style: chr6-109786405-C-A. GRCh37 (hg19) VCF-style: chr6-110107608-C-A.
Other names: short protein forms S684R.
Identifiers: ClinVar variation 1446862 (VCV001446862.6), dbSNP rs183958565, ClinGen allele CA365231927.